The following is an entry in ClinVar:

NM_015178.3(RHOBTB2):c.1228C>T (p.Arg410Trp)

Gene: RHOBTB2 (Rho related BTB domain containing 2; plus strand). Cytogenetic location: 8p21.3.
Variant type: single nucleotide variant.
Coding change: c.1228C>T on transcript NM_015178.3 (MANE Select); coding-DNA position 1228, C replaced by T.
Protein change: p.Arg410Trp; replaces arginine 410 with tryptophan.
Molecular consequence: missense variant.
Genome position (GRCh38, 1-based): chr8:23,007,473, C>T. VCF-style: chr8-23007473-C-T. GRCh37 (hg19) VCF-style: chr8-22864986-C-T.
Other names: c.1294C>T, p.Arg432Trp (NM_001160036.2); c.1249C>T, p.Arg417Trp (NM_001160037.2); c.1228C>T, p.Arg410Trp (NM_001374791.1); short protein forms R432W, R410W, R417W.
Identifiers: ClinVar variation 1479946 (VCV001479946.6), dbSNP rs531552869, ClinGen allele CA4672634.

ClinVar aggregate classification (germline): Uncertain significance (1 of 4 stars; one submission).

Allele frequency attached by ClinVar (database versions not stated): gnomAD exomes 0.00003 and 0.00004; gnomAD 0.00004 and 0.00005; ExAC 0.00005; TOPMed 0.00005.
gnomAD v4.1: 57 of 1,614,162 alleles (0.0035%); highest among the groups gnomAD compares: East Asian, 0.058%; no homozygotes.

Submission:

Labcorp Genetics (formerly Invitae), Labcorp
Classification: Uncertain significance. Last evaluated: 2024-09-14. Review status: criteria provided, single submitter. Criteria: Invitae Variant Classification Sherloc (09022015). Collection method: clinical testing. Allele origin: germline.
Comment: This sequence change replaces arginine, which is basic and polar, with tryptophan, which is neutral and slightly polar, at codon 432 of the RHOBTB2 protein (p.Arg432Trp). This variant is present in population databases (rs531552869, gnomAD 0.03%). This variant has not been reported in the literature in individuals affected with RHOBTB2-related conditions. ClinVar contains an entry for this variant (Variation ID: 1479946). Invitae Evidence Modeling of protein sequence and biophysical properties (such as structural, functional, and spatial information, amino acid conservation, physicochemical variation, residue mobility, and thermodynamic stability) indicates that this missense variant is not expected to disrupt RHOBTB2 protein function with a negative predictive value of 80%. In summary, the available evidence is currently insufficient to determine the role of this variant in disease. Therefore, it has been classified as a Variant of Uncertain Significance.